The following is an entry in ClinVar:

ClinVar aggregate classification (germline): Pathogenic (1 of 4 stars; one submission).

Conditions:
Hereditary cancer-predisposing syndrome. Also called: Tumor predisposition; Hereditary neoplastic syndrome; Neoplastic Syndromes, Hereditary; Hereditary Cancer Syndrome. Identifiers: Orphanet 140162, MedGen C0027672, MeSH D009386, MONDO:0015356.

Submission:

Ambry Genetics
Classification: Pathogenic for Hereditary cancer-predisposing syndrome. Last evaluated: 2025-02-27. Review status: criteria provided, single submitter. Criteria: Ambry Variant Classification Scheme 2023. Collection method: clinical testing. Allele origin: germline.
Comment: The c.1369delG pathogenic mutation, located in coding exon 4 of the MSH6 gene, results from a deletion of one nucleotide at nucleotide position 1369, causing a translational frameshift with a predicted alternate stop codon (p.A457Pfs*24). This variant is considered to be rare based on population cohorts in the Genome Aggregation Database (gnomAD). This alteration is expected to result in loss of function by premature protein truncation or nonsense-mediated mRNA decay. As such, this alteration is interpreted as a disease-causing mutation.

NM_000179.3(MSH6):c.1369del (p.Ala457fs)

Gene: MSH6 (mutS homolog 6; plus strand). Cytogenetic location: 2p16.3.
Variant type: Deletion.
Coding change: c.1369del on transcript NM_000179.3 (MANE Select); coding-DNA position 1369, one base deleted (G; older notation c.1369delG).
Protein change: p.Ala457fs; shifts the reading frame from alanine 457.
Molecular consequence: frameshift variant.
Genome position (GRCh38, 1-based): chr2:47,799,352, G deleted; the last of 3 consecutive G bases (chr2:47,799,350-47,799,352); deleting any one gives the same sequence. VCF-style (leftmost placement, unchanged base first): chr2-47799349-TG-T. GRCh37 (hg19) VCF-style: chr2-48026488-TG-T.
Other names: c.979del, p.Ala327fs (NM_001281492.2); c.463del, p.Ala155fs (NM_001281493.2, NM_001281494.2); short protein forms A457fs, A327fs, A155fs.
Identifiers: ClinVar variation 819020 (VCV000819020.5), dbSNP rs1572722732, ClinGen allele CA915943915.